The following is an entry in ClinVar:

NM_001191061.2(SLC25A22):c.742+9A>G

Gene: SLC25A22 (solute carrier family 25 member 22; minus strand). Cytogenetic location: 11p15.5.
Variant type: single nucleotide variant.
Coding change: c.742+9A>G on transcript NM_001191061.2 (MANE Select); 9 bases into the intron after coding-DNA position 742, A replaced by G.
Molecular consequence: intron variant.
Genome position (GRCh38, 1-based): chr11:792,295, T>C on the plus strand (A>G on the coding strand, the complement: SLC25A22 is on the minus strand). VCF-style: chr11-792295-T-C. GRCh37 (hg19) VCF-style: chr11-792295-T-C.
Other names: c.742+9A>G (NM_001191060.2, NM_024698.6).
Identifiers: ClinVar variation 306260 (VCV000306260.15), dbSNP rs370309722, ClinGen allele CA5789082.

ClinVar aggregate classification (germline): Conflicting classifications of pathogenicity. Review status: criteria provided, conflicting classifications (1 of 4 stars). 3 submissions from 3 submitters: Uncertain significance (1); Likely benign (2). Last evaluated 2026-01-28.

Conditions:
Early-infantile DEE. Also called: Ohtahara syndrome; Early infantile epileptic encephalopathy with suppression bursts; Early infantile epileptic encephalopathy. Identifiers: Orphanet 1934, MedGen C0393706, MONDO:0800491.
Early Myoclonic Encephalopathy. Identifiers: MedGen C0270855.

Allele frequency attached by ClinVar (database versions not stated): gnomAD exomes 0.00004 and 0.00002; ESP Exome Variant Server 0.00008; TOPMed 0.00022; gnomAD 0.00014 and 0.00013; ExAC 0.00007.

Submissions (3):

Labcorp Genetics (formerly Invitae), Labcorp
Classification: Likely benign for Early-infantile DEE. Last evaluated: 2026-01-28. Review status: criteria provided, single submitter. Criteria: Invitae Variant Classification Sherloc (09022015). Collection method: clinical testing. Allele origin: germline.

Illumina Laboratory Services, Illumina
Classification: Uncertain significance for Developmental and epileptic encephalopathy, 3. Last evaluated: 2018-01-12. Review status: criteria provided, single submitter. Criteria: ICSL Variant Classification Criteria 13 December 2019. Collection method: clinical testing. Allele origin: germline.

GeneDx
Classification: Likely benign. Last evaluated: 2016-12-09. Review status: criteria provided, single submitter. Criteria: GeneDx Variant Classification (06012015). Collection method: clinical testing. Allele origin: germline. Affected: yes.
Comment: This variant is considered likely benign or benign based on one or more of the following criteria: it is a conservative change, it occurs at a poorly conserved position in the protein, it is predicted to be benign by multiple in silico algorithms, and/or has population frequency not consistent with disease.